The following is an entry in ClinVar:

NM_001365951.3(KIF1B):c.4067G>T (p.Arg1356Leu)

Gene: KIF1B (kinesin family member 1B; plus strand). Cytogenetic location: 1p36.22.
Variant type: single nucleotide variant.
Coding change: c.4067G>T on transcript NM_001365951.3 (MANE Select); coding-DNA position 4067, G replaced by T.
Protein change: p.Arg1356Leu; replaces arginine 1356 with leucine.
Molecular consequence: missense variant.
Genome position (GRCh38, 1-based): chr1:10,360,940, G>T. VCF-style: chr1-10360940-G-T. GRCh37 (hg19) VCF-style: chr1-10420998-G-T.
Other names: c.4067G>T, p.Arg1356Leu (NM_001365952.1); c.3929G>T, p.Arg1310Leu (NM_015074.3); short protein forms R1310L, R1356L.
Identifiers: ClinVar variation 3674147 (VCV003674147.3).

ClinVar aggregate classification (germline): Uncertain significance. Review status: criteria provided, multiple submitters, no conflicts (2 of 4 stars). 2 submissions from 2 submitters: Uncertain significance (2). Last evaluated 2025-04-05.

Conditions:
Charcot-Marie-Tooth disease type 2. Also called: Charcot-Marie-Tooth type 2. Identifiers: Orphanet 64746, MedGen C0270914, MONDO:0018993.

gnomAD v4.1: 1 of 1,612,898 alleles (0.000062%); highest among the groups gnomAD compares: African/African-American, 0.0013%; no homozygotes.

Submissions (2):

Ambry Genetics
Classification: Uncertain significance. Last evaluated: 2025-04-05. Review status: criteria provided, single submitter. Criteria: Ambry Variant Classification Scheme 2023. Collection method: clinical testing. Allele origin: germline.
Comment: The p.R1310L variant (also known as c.3929G>T), located in coding exon 36 of the KIF1B gene, results from a G to T substitution at nucleotide position 3929. The arginine at codon 1310 is replaced by leucine, an amino acid with dissimilar properties. This amino acid position is conserved. In addition, this alteration is predicted to be deleterious by in silico analysis. Based on the available evidence, the clinical significance of this variant remains unclear.

Labcorp Genetics (formerly Invitae), Labcorp
Classification: Uncertain significance for Charcot-Marie-Tooth disease type 2. Last evaluated: 2025-01-05. Review status: criteria provided, single submitter. Criteria: Invitae Variant Classification Sherloc (09022015). Collection method: clinical testing. Allele origin: germline.
Comment: This sequence change replaces arginine, which is basic and polar, with leucine, which is neutral and non-polar, at codon 1310 of the KIF1B protein (p.Arg1310Leu). This variant is present in population databases (no rsID available, gnomAD 0.01%). This variant has not been reported in the literature in individuals affected with KIF1B-related conditions. An algorithm developed to predict the effect of missense changes on protein structure and function (PolyPhen-2) suggests that this variant is likely to be disruptive. In summary, the available evidence is currently insufficient to determine the role of this variant in disease. Therefore, it has been classified as a Variant of Uncertain Significance.